The following is an entry in ClinVar:

ClinVar aggregate classification (germline): Conflicting classifications of pathogenicity. Review status: criteria provided, conflicting classifications (1 of 4 stars). 9 submissions from 8 submitters: Uncertain significance (1); Benign (1); Likely benign (7). Last evaluated 2025-12-20.

Conditions:
WFS1-Related Spectrum Disorders.
Wolfram syndrome 1 (WFS1). Identifiers: Orphanet 3463, MedGen C4551693, MONDO:0009101, OMIM 222300.
Autosomal dominant nonsyndromic hearing loss 6 (LFSNHL). Also called: DEAFNESS, AUTOSOMAL DOMINANT 6; DEAFNESS, AUTOSOMAL DOMINANT 14; DEAFNESS, AUTOSOMAL DOMINANT 38; Autosomal dominant nonsyndromic deafness 6. Identifiers: Orphanet 90635, MedGen C1833021, MONDO:0010963, OMIM 600965.

Allele frequency attached by ClinVar (database versions not stated): gnomAD exomes 0.00009 and 0.00022; ExAC 0.00032; TOPMed 0.00064; ESP Exome Variant Server 0.00115; 1000 Genomes Project 30x 0.00156; 1000 Genomes Project 0.00200.
gnomAD v4.1: 238 of 1,614,158 alleles (0.015%); highest among the groups gnomAD compares: African/African-American, 0.24%; 1 homozygote.

Submissions (9):

Labcorp Genetics (formerly Invitae), Labcorp
Classification: Benign. Last evaluated: 2025-12-20. Review status: criteria provided, single submitter. Criteria: Invitae Variant Classification Sherloc (09022015). Collection method: clinical testing. Allele origin: germline.

Blueprint Genetics
Classification: Likely benign. Last evaluated: 2024-10-18. Review status: criteria provided, single submitter. Criteria: ACMG Guidelines, 2015. Collection method: clinical testing. Allele origin: germline.

CeGaT Center for Human Genetics Tuebingen
Classification: Likely benign. Last evaluated: 2024-07-01. Review status: criteria provided, single submitter. Criteria: CeGaT Center For Human Genetics Tuebingen Variant Classification Criteria Version 2. Collection method: clinical testing. Allele origin: germline. Affected: yes. Observed: 1 variant allele.
Comment: WFS1: BP4

GeneDx
Classification: Likely benign. Last evaluated: 2021-06-08. Review status: criteria provided, single submitter. Criteria: GeneDx Variant Classification Process June 2021. Collection method: clinical testing. Allele origin: germline. Affected: yes.
Comment: This variant is associated with the following publications: (PMID: 27535533)

Illumina Laboratory Services, Illumina
Classification: Uncertain significance for WFS1-Related Spectrum Disorders. Last evaluated: 2018-01-12. Review status: criteria provided, single submitter. Criteria: ICSL Variant Classification Criteria 13 December 2019. Collection method: clinical testing. Allele origin: germline.

Illumina Laboratory Services, Illumina
Classification: Likely benign for Autosomal dominant nonsyndromic hearing loss 6. Last evaluated: 2018-01-12. Review status: criteria provided, single submitter. Criteria: ICSL Variant Classification Criteria 13 December 2019. Collection method: clinical testing. Allele origin: germline.
Comment: This variant was observed in the ICSL laboratory as part of a predisposition screen in an ostensibly healthy population. It had not been previously curated by ICSL or reported in the Human Gene Mutation Database (HGMD: prior to June 1st, 2018), and was therefore a candidate for classification through an automated scoring system. Utilizing variant allele frequency, disease prevalence and penetrance estimates, and inheritance mode, an automated score was calculated to assess if this variant is too frequent to cause the disease. Based on the score and internal cut-off values, a variant classified as likely benign is not then subjected to further curation. The score for this variant resulted in a classification of likely benign for this disease.

Eurofins Ntd Llc (ga)
Classification: Likely benign. Last evaluated: 2017-09-01. Review status: criteria provided, single submitter. Criteria: EGL Classification Definitions 2015. Collection method: clinical testing. Allele origin: germline. Observed: 1 variant allele, 1 heterozygote.

Laboratory for Molecular Medicine, Mass General Brigham Personalized Medicine
Classification: Likely benign. Last evaluated: 2012-04-30. Review status: criteria provided, single submitter. Criteria: LMM Criteria. Collection method: clinical testing. Allele origin: germline. Observed: 1 variant allele.
Comment: Ala598Thr in Exon 08 of WFS1: This variant is not expected to have clinical sign ificance because it has been identified in 0.4% (14/3738) of African American ch romosomes from a broad population by the NHLBI Exome Sequencing Project (dbSNP rs140125843).

Clinical Genomics, Uppaluri K&H Personalized Medicine Clinic
Classification: Likely benign for Wolfram syndrome 1. Review status: criteria provided, single submitter. Criteria: K & H Uppaluri Personalized Medicine Clinic Variant Classification & Assertion Criteria_Updated V.1. Collection method: research. Allele origin: unknown. Inheritance: Autosomal recessive inheritance.
Comment: Potent mutations in WFS1 gene are associated with Wolfram's syndrome, an autosomal recessive condition, which cause diabetes mellitus, diabetes insipidus, deafness and optic atrophy. However no sufficient evidence is found to ascertain the role of this particular variant rs140125843 in Wolfram's syndrome yet.

Literature cited by the submitters: PubMed 20738327 (cited by Clinical Genomics, Uppaluri K&H Personalized Medicine Clinic); PubMed 33879153 (cited by Clinical Genomics, Uppaluri K&H Personalized Medicine Clinic); PubMed 12955714 (cited by Clinical Genomics, Uppaluri K&H Personalized Medicine Clinic); PubMed 18060660 (cited by Clinical Genomics, Uppaluri K&H Personalized Medicine Clinic); PubMed 20301750 (cited by Clinical Genomics, Uppaluri K&H Personalized Medicine Clinic); PubMed 17603484 (cited by Clinical Genomics, Uppaluri K&H Personalized Medicine Clinic).

NM_006005.3(WFS1):c.1792G>A (p.Ala598Thr)

Gene: WFS1 (wolframin ER transmembrane glycoprotein; plus strand). Cytogenetic location: 4p16.1.
Variant type: single nucleotide variant.
Coding change: c.1792G>A on transcript NM_006005.3 (MANE Select); coding-DNA position 1792, G replaced by A.
Protein change: p.Ala598Thr; replaces alanine 598 with threonine.
Molecular consequence: missense variant.
Genome position (GRCh38, 1-based): chr4:6,301,587, G>A. VCF-style: chr4-6301587-G-A. GRCh37 (hg19) VCF-style: chr4-6303314-G-A.
Other names: c.1792G>A, p.Ala598Thr (NM_001145853.1); short protein forms A598T.
Identifiers: ClinVar variation 178596 (VCV000178596.41), dbSNP rs140125843, ClinGen allele CA182628.